The following is an entry in ClinVar:

ClinVar aggregate classification (germline): Uncertain significance (1 of 4 stars; one submission).

Submission:

Labcorp Genetics (formerly Invitae), Labcorp
Classification: Uncertain significance. Last evaluated: 2024-01-26. Review status: criteria provided, single submitter. Criteria: Invitae Variant Classification Sherloc (09022015). Collection method: clinical testing. Allele origin: germline.
Comment: This sequence change replaces arginine, which is basic and polar, with tryptophan, which is neutral and slightly polar, at codon 368 of the CFP protein (p.Arg368Trp). This variant is not present in population databases (gnomAD no frequency). This variant has not been reported in the literature in individuals affected with CFP-related conditions. Advanced modeling of protein sequence and biophysical properties (such as structural, functional, and spatial information, amino acid conservation, physicochemical variation, residue mobility, and thermodynamic stability) has been performed at Invitae for this missense variant, however the output from this modeling did not meet the statistical confidence thresholds required to predict the impact of this variant on CFP protein function. In summary, the available evidence is currently insufficient to determine the role of this variant in disease. Therefore, it has been classified as a Variant of Uncertain Significance.

NM_001145252.3(CFP):c.1102C>T (p.Arg368Trp)

Gene: CFP (complement factor properdin; minus strand). Cytogenetic location: Xp11.23.
Variant type: single nucleotide variant.
Coding change: c.1102C>T on transcript NM_001145252.3 (MANE Select); coding-DNA position 1102, C replaced by T.
Protein change: p.Arg368Trp; replaces arginine 368 with tryptophan.
Molecular consequence: missense variant.
Genome position (GRCh38, 1-based): chrX:47,626,358, G>A on the plus strand (C>T on the coding strand, the complement: CFP is on the minus strand). VCF-style: chrX-47626358-G-A. GRCh37 (hg19) VCF-style: chrX-47485757-G-A.
Other names: c.1102C>T, p.Arg368Trp (NM_002621.2); short protein forms R368W.
Identifiers: ClinVar variation 3682747 (VCV003682747.2).
Genomic context (GRCh38, chrX:47,626,358, plus strand): 5'-CCCTCAGAGCACAGTCTGTGGGACACTCACAGGGGCAGTGCTGGATGCTGTAGCAGTGCC[G>A]GATATCCTGCTGTTGCCCGGCACATCGATGTCCGTCAAACTTGCGGCCCCTGCAGGTCCT-3'
Protein context (NP_001138724.1, residues 358-378): HRCAGQQQDI[Arg368Trp]HCYSIQHCPL